The following is an entry in ClinVar:

NM_194248.3(OTOF):c.5261G>A (p.Gly1754Glu)

Gene: OTOF (otoferlin; minus strand). Cytogenetic location: 2p23.3.
Variant type: single nucleotide variant.
Coding change: c.5261G>A on transcript NM_194248.3 (MANE Select); coding-DNA position 5261, G replaced by A.
Protein change: p.Gly1754Glu; replaces glycine 1754 with glutamic acid.
Molecular consequence: missense variant.
Genome position (GRCh38, 1-based): chr2:26,462,113, C>T on the plus strand (G>A on the coding strand, the complement: OTOF is on the minus strand). VCF-style: chr2-26462113-C-T. GRCh37 (hg19) VCF-style: chr2-26684981-C-T.
Other names: c.5261G>A, p.Gly1754Glu (NM_001287489.2); c.2960G>A, p.Gly987Glu (NM_004802.4, NM_194323.3); c.3191G>A, p.Gly1064Glu (NM_194322.3); short protein forms G1064E, G1754E, G987E.
Identifiers: ClinVar variation 4281752 (VCV004281752.1).

ClinVar aggregate classification (germline): Uncertain significance (1 of 4 stars; one submission).

gnomAD v4.1: 3 of 1,613,908 alleles (0.00019%); highest among the groups gnomAD compares: East Asian, 0.0067%; no homozygotes.

Submission:

GeneDx
Classification: Uncertain significance. Last evaluated: 2025-04-07. Review status: criteria provided, single submitter. Criteria: GeneDx Variant Classification Process June 2021. Collection method: clinical testing. Allele origin: germline. Affected: yes.
Comment: In silico analysis supports that this missense variant has a deleterious effect on protein structure/function; Has not been previously published as pathogenic or benign to our knowledge